The following is an entry in ClinVar:

NM_002755.4(MAP2K1):c.165_179del (p.Gln56_Val60del)

Gene: MAP2K1 (mitogen-activated protein kinase kinase 1; plus strand). Cytogenetic location: 15q22.31.
Variant type: Deletion.
Coding change: c.165_179del on transcript NM_002755.4 (MANE Select); coding-DNA positions 165 to 179, 15 bases deleted (CCAGAAGCAGAAGGT).
Protein change: p.Gln56_Val60del.
Molecular consequence: inframe deletion.
Genome position (GRCh38, 1-based): chr15:66,435,111-66,435,125, CCAGAAGCAGAAGGT deleted. VCF-style (leftmost placement, unchanged base first): chr15-66435110-CCCAGAAGCAGAAGGT-C. GRCh37 (hg19) VCF-style: chr15-66727448-CCCAGAAGCAGAAGGT-C.
Other names: c.99_113del, p.Gln34_Val38del (NM_001411065.1).
Identifiers: ClinVar variation 2672091 (VCV002672091.1), dbSNP rs2545050964, ClinGen allele CA912992484.

ClinVar aggregate classification (germline): Likely pathogenic (1 of 4 stars; one submission).

Conditions:
Vascular malformation. Also called: Vascular malformations. Identifiers: MedGen C0158570, MONDO:0024291.

Submission:

Clinical Genomics Laboratory, Washington University in St. Louis
Classification: Likely pathogenic for Vascular malformation. Last evaluated: 2023-09-11. Review status: criteria provided, single submitter. Criteria: ACMG Guidelines, 2015. Collection method: clinical testing. Allele origin: somatic. Affected: yes.
Comment: The MAP2K1 c.165_179del (p.Gln56_Val60del) variant was identified at an allelic fraction consistent with somatic origin. It has been reported in several individuals affected with malignancies (Grisham RN et al., PMID: 26324360; Cheaney B et al., PMID: 31288852; Yang Y et al., PMID: 34595543). This variant is absent from the general population (gnomAD v.3.1.2), indicating it is not a common variant. It resides within a region of MAP2K1 that is defined as a critical functional domain and where pathogenic variants are known to cluster (Grisham RN et al., PMID: 26324360; Carlino et al., PMID:25370473; Dentici ML et al., PMID: 19156172). MAP2K1 c.165_179del (p.Gln56_Val60del) is predicted to cause a change in the length of the protein due to an in-frame deletion of 5 amino acids, in a non-repeat region. Functional studies using cell lines showed that expression of the MAP2K1 (MEK1) p.Q56_V60 deletion resulted in significantly elevated levels of the MAPK pathway mediators phosphorylated extracellular signal-regulated kinase (ERK) and phosphorylated ribosomal protein S6 kinase (RSK) as compared with wild-type MEK1 (Grisham RN et al., PMID: 26324360). Based on an internally-developed protocol informed by the ACMG/AMP guidelines (Richards S et al., PMID: 25741868) and gene-specific practices from the ClinGen Criteria Specification Registry, the MAP2K1 c.165_179del (p.Gln56_Val60del) variant is classified as likely pathogenic.